The following is an entry in ClinVar:

NM_001329943.3(KIAA0586):c.4089G>C (p.Gln1363His)

Gene: KIAA0586 (KIAA0586; plus strand). Cytogenetic location: 14q23.1.
Variant type: single nucleotide variant.
Coding change: c.4089G>C on transcript NM_001329943.3 (MANE Select); coding-DNA position 4089, G replaced by C.
Protein change: p.Gln1363His; replaces glutamine 1363 with histidine.
Molecular consequence: missense variant.
Genome position (GRCh38, 1-based): chr14:58,498,881, G>C. VCF-style: chr14-58498881-G-C. GRCh37 (hg19) VCF-style: chr14-58965599-G-C.
Other names: c.4248G>C, p.Gln1416His (NM_001244189.2); c.4044G>C, p.Gln1348His (NM_001244190.2); c.3834G>C, p.Gln1278His (NM_001244191.2, NM_001329945.2, NM_001364700.1 and 1 more transcripts); c.3957G>C, p.Gln1319His (NM_001244192.2, NM_001329947.2); c.3669G>C, p.Gln1223His (NM_001244193.2); c.4089G>C, p.Gln1363His (NM_001329944.2, NM_001329946.2); c.3861G>C, p.Gln1287His (NM_014749.5); short protein forms Q1278H, Q1287H, Q1319H, Q1363H, Q1223H, Q1348H, Q1416H.
Identifiers: ClinVar variation 1485801 (VCV001485801.6), dbSNP rs2043350107, ClinGen allele CA389885645.
Genomic context (GRCh38, chr14:58,498,881, plus strand): 5'-AAGACCCCAGCTAACAGCGGCAGCAGAGAACATCTTAATGGGACATTCTCTCTATATGCA[G>C]CCACCTGTCACTAATACACAGTCTTTGGATCAACAATGTGATCCTAAACCATTATCTCGG-3'
Protein context (NP_001316872.1, residues 1353-1373): NILMGHSLYM[Gln1363His]PPVTNTQSLD

ClinVar aggregate classification (germline): Uncertain significance (1 of 4 stars; one submission).

Conditions:
Joubert syndrome 23 (JBTS23). Identifiers: Orphanet 475, MedGen C4084822, MONDO:0014664, OMIM 616490.
Short-rib thoracic dysplasia 14 with polydactyly (SRTD14). Identifiers: Orphanet 397715, MedGen C4225286, MONDO:0014688, OMIM 616546.

Allele frequency attached by ClinVar (database versions not stated): gnomAD exomes below 0.00001; TOPMed 0.00002.
gnomAD v4.1: 1 of 1,612,930 alleles (0.000062%); highest among the groups gnomAD compares: Admixed American, 0.0017%; no homozygotes.

Submission:

Labcorp Genetics (formerly Invitae), Labcorp
Classification: Uncertain significance for Joubert syndrome 23; Short-rib thoracic dysplasia 14 with polydactyly. Last evaluated: 2021-10-05. Review status: criteria provided, single submitter. Criteria: Invitae Variant Classification Sherloc (09022015). Collection method: clinical testing. Allele origin: germline.
Comment: In summary, the available evidence is currently insufficient to determine the role of this variant in disease. Therefore, it has been classified as a Variant of Uncertain Significance. Algorithms developed to predict the effect of missense changes on protein structure and function are either unavailable or do not agree on the potential impact of this missense change (SIFT: "Tolerated"; PolyPhen-2: "Possibly Damaging"; Align-GVGD: "Class C0"). This variant has not been reported in the literature in individuals affected with KIAA0586-related conditions. This variant is not present in population databases (ExAC no frequency). This sequence change replaces glutamine with histidine at codon 1416 of the KIAA0586 protein (p.Gln1416His). The glutamine residue is weakly conserved and there is a small physicochemical difference between glutamine and histidine.